The following is an entry in ClinVar:

NM_001371986.1(UNC80):c.6856C>A (p.His2286Asn)

Gene: UNC80 (unc-80 subunit of NALCN channel complex; plus strand). Cytogenetic location: 2q34.
Variant type: single nucleotide variant.
Coding change: c.6856C>A on transcript NM_001371986.1 (MANE Select); coding-DNA position 6856, C replaced by A.
Protein change: p.His2286Asn; replaces histidine 2286 with asparagine.
Molecular consequence: missense variant.
Genome position (GRCh38, 1-based): chr2:209,941,430, C>A. VCF-style: chr2-209941430-C-A. GRCh37 (hg19) VCF-style: chr2-210806154-C-A.
Other names: c.6658C>A, p.His2220Asn (NM_032504.2); c.6643C>A, p.His2215Asn (NM_182587.4); short protein forms H2286N, H2215N, H2220N.
Identifiers: ClinVar variation 1460917 (VCV001460917.8), dbSNP rs1020253955, ClinGen allele CA65042633.

ClinVar aggregate classification (germline): Uncertain significance (1 of 4 stars; one submission).

Allele frequency attached by ClinVar (database versions not stated): TOPMed below 0.00001; gnomAD 0.00001; gnomAD exomes 0.00003.
gnomAD v4.1: 40 of 1,546,754 alleles (0.0026%); highest among the groups gnomAD compares: Non-Finnish European, 0.0035%; no homozygotes.

Submission:

Labcorp Genetics (formerly Invitae), Labcorp
Classification: Uncertain significance. Last evaluated: 2021-06-05. Review status: criteria provided, single submitter. Criteria: Invitae Variant Classification Sherloc (09022015). Collection method: clinical testing. Allele origin: germline.
Comment: Algorithms developed to predict the effect of missense changes on protein structure and function are either unavailable or do not agree on the potential impact of this missense change (SIFT: "Not Available"; PolyPhen-2: "Probably Damaging"; Align-GVGD: "Not Available"). This sequence change replaces histidine with asparagine at codon 2220 of the UNC80 protein (p.His2220Asn). The histidine residue is moderately conserved and there is a small physicochemical difference between histidine and asparagine. This variant is not present in population databases (ExAC no frequency). This variant has not been reported in the literature in individuals with UNC80-related conditions. In summary, the available evidence is currently insufficient to determine the role of this variant in disease. Therefore, it has been classified as a Variant of Uncertain Significance.